The following is an entry in ClinVar:

NM_078480.3(PUF60):c.586G>C (p.Gly196Arg)

Gene: PUF60 (poly(U) binding splicing factor 60; minus strand). Cytogenetic location: 8q24.3.
Variant type: single nucleotide variant.
Coding change: c.586G>C on transcript NM_078480.3 (MANE Select); coding-DNA position 586, G replaced by C.
Protein change: p.Gly196Arg; replaces glycine 196 with arginine.
Molecular consequence: missense variant.
Genome position (GRCh38, 1-based): chr8:143,818,210, C>G on the plus strand (G>C on the coding strand, the complement: PUF60 is on the minus strand). VCF-style: chr8-143818210-C-G. GRCh37 (hg19) VCF-style: chr8-144900380-C-G.
Other names: c.457G>C, p.Gly153Arg (NM_001136033.3); c.532G>C, p.Gly178Arg (NM_001271096.2); c.448G>C, p.Gly150Arg (NM_001271097.2); c.583G>C, p.Gly195Arg (NM_001271098.2); c.499G>C, p.Gly167Arg (NM_001271099.2); c.406G>C, p.Gly136Arg (NM_001271100.2); c.697G>C, p.Gly233Arg (NM_001362895.2, NM_001362896.2); c.646G>C, p.Gly216Arg (NM_001362897.2); and 1 more; short protein forms G136R, G150R, G153R, G167R, G178R, G179R, G195R, G196R.
Identifiers: ClinVar variation 3764355 (VCV003764355.1).

ClinVar aggregate classification (germline): Uncertain significance (1 of 4 stars; one submission).

Submission:

GeneDx
Classification: Uncertain significance. Last evaluated: 2024-08-19. Review status: criteria provided, single submitter. Criteria: GeneDx Variant Classification Process June 2021. Collection method: clinical testing. Allele origin: germline. Affected: yes.
Comment: Not observed at significant frequency in large population cohorts (gnomAD); In silico analysis supports that this missense variant has a deleterious effect on protein structure/function; Has not been previously published as pathogenic or benign to our knowledge